The following is an entry in ClinVar:

ClinVar aggregate classification (germline): Uncertain significance (1 of 4 stars; one submission).

Conditions:
Arrhythmogenic cardiomyopathy with wooly hair and keratoderma. Also called: PALMOPLANTAR KERATODERMA WITH LEFT VENTRICULAR CARDIOMYOPATHY AND WOOLLY HAIR; Arrhythmogenic cardiomyopathy with woolly hair and keratoderma; Carvajal syndrome; Dilated cardiomyopathy with woolly hair and keratoderma. Identifiers: Orphanet 65282, MedGen C1854063, MONDO:0011581, OMIM 605676.
Arrhythmogenic right ventricular dysplasia 8 (ARVD8). Also called: Arrhythmogenic Right Ventricular Dysplasia/Cardiomyopathy 8; ARRHYTHMOGENIC RIGHT VENTRICULAR DYSPLASIA, FAMILIAL, 8; ARRHYTHMOGENIC RIGHT VENTRICULAR CARDIOMYOPATHY 8. Identifiers: MedGen C1843896, MONDO:0011831, OMIM 607450.

gnomAD v4.1: 1 of 1,614,118 alleles (0.000062%); highest among the groups gnomAD compares: Non-Finnish European, 0.000085%; no homozygotes.

Submission:

Labcorp Genetics (formerly Invitae), Labcorp
Classification: Uncertain significance for Arrhythmogenic cardiomyopathy with wooly hair and keratoderma; Arrhythmogenic right ventricular dysplasia 8. Last evaluated: 2021-09-20. Review status: criteria provided, single submitter. Criteria: Invitae Variant Classification Sherloc (09022015). Collection method: clinical testing. Allele origin: germline.
Comment: This sequence change replaces arginine with glycine at codon 2586 of the DSP protein (p.Arg2586Gly). The arginine residue is highly conserved and there is a moderate physicochemical difference between arginine and glycine. This variant is not present in population databases (ExAC no frequency). This variant has not been reported in the literature in individuals affected with DSP-related conditions. Algorithms developed to predict the effect of missense changes on protein structure and function are either unavailable or do not agree on the potential impact of this missense change (SIFT: "Tolerated"; PolyPhen-2: "Possibly Damaging"; Align-GVGD: "Class C0"). In summary, the available evidence is currently insufficient to determine the role of this variant in disease. Therefore, it has been classified as a Variant of Uncertain Significance.

NM_004415.4(DSP):c.7756C>G (p.Arg2586Gly)

Gene: DSP (desmoplakin; plus strand). Cytogenetic location: 6p24.3.
Variant type: single nucleotide variant.
Coding change: c.7756C>G on transcript NM_004415.4 (MANE Select); coding-DNA position 7756, C replaced by G.
Protein change: p.Arg2586Gly; replaces arginine 2586 with glycine.
Molecular consequence: missense variant.
Genome position (GRCh38, 1-based): chr6:7,585,018, C>G. VCF-style: chr6-7585018-C-G. GRCh37 (hg19) VCF-style: chr6-7585251-C-G.
Other names: c.5959C>G, p.Arg1987Gly (NM_001008844.3); c.6427C>G, p.Arg2143Gly (NM_001319034.2); short protein forms R2586G, R1987G, R2143G.
Identifiers: ClinVar variation 1462470 (VCV001462470.6), dbSNP rs1420689736, ClinGen allele CA362693710.